The following is an entry in ClinVar:

NM_015072.5(TTLL5):c.485A>T (p.Glu162Val)

Gene: TTLL5 (tubulin tyrosine ligase like 5; plus strand). Cytogenetic location: 14q24.3.
Variant type: single nucleotide variant.
Coding change: c.485A>T on transcript NM_015072.5 (MANE Select); coding-DNA position 485, A replaced by T.
Protein change: p.Glu162Val; replaces glutamic acid 162 with valine.
Molecular consequence: missense variant.
Genome position (GRCh38, 1-based): chr14:75,690,305, A>T. VCF-style: chr14-75690305-A-T. GRCh37 (hg19) VCF-style: chr14-76156648-A-T.
Other names: short protein forms E162V.
Identifiers: ClinVar variation 1367489 (VCV001367489.8), dbSNP rs1026058794, ClinGen allele CA263674799.

ClinVar aggregate classification (germline): Uncertain significance (1 of 4 stars; one submission).

Submission:

Labcorp Genetics (formerly Invitae), Labcorp
Classification: Uncertain significance. Last evaluated: 2021-07-14. Review status: criteria provided, single submitter. Criteria: Invitae Variant Classification Sherloc (09022015). Collection method: clinical testing. Allele origin: germline.
Comment: In summary, the available evidence is currently insufficient to determine the role of this variant in disease. Therefore, it has been classified as a Variant of Uncertain Significance. This variant has been observed in individual(s) with cone dystrophy (Invitae). This sequence change replaces glutamic acid with valine at codon 162 of the TTLL5 protein (p.Glu162Val). The glutamic acid residue is highly conserved and there is a moderate physicochemical difference between glutamic acid and valine. This variant is not present in population databases (ExAC no frequency). Algorithms developed to predict the effect of missense changes on protein structure and function are either unavailable or do not agree on the potential impact of this missense change (SIFT: "Deleterious"; PolyPhen-2: "Probably Damaging"; Align-GVGD: "Class C0").